The following is an entry in ClinVar:

NM_007254.4(PNKP):c.831G>A (p.Thr277=)

Gene: PNKP (polynucleotide kinase 3'-phosphatase; minus strand). Cytogenetic location: 19q13.33.
Variant type: single nucleotide variant.
Coding change: c.831G>A on transcript NM_007254.4 (MANE Select); coding-DNA position 831, G replaced by A.
Protein change: p.Thr277=; no amino-acid change (threonine 277 retained).
Molecular consequence: synonymous variant.
Genome position (GRCh38, 1-based): chr19:49,862,724, C>T on the plus strand (G>A on the coding strand, the complement: PNKP is on the minus strand). VCF-style: chr19-49862724-C-T. GRCh37 (hg19) VCF-style: chr19-50365981-C-T.
Other names: p.T277T:ACG>ACA; p.Thr277=.
Identifiers: ClinVar variation 95489 (VCV000095489.69), dbSNP rs148491228, ClinGen allele CA223021.

ClinVar aggregate classification (germline): Conflicting classifications of pathogenicity. Review status: criteria provided, conflicting classifications (1 of 4 stars). 13 submissions from 13 submitters: Uncertain significance (1); Benign (2); Likely benign (8). 2 of the submissions do not count toward it. Last evaluated 2026-08-01.

Conditions:
Inborn genetic diseases. Identifiers: MedGen C0950123, MeSH D030342.
Developmental and epileptic encephalopathy, 12 (DEE12). Identifiers: MedGen C3150988, MONDO:0013389, OMIM 613722.
Microcephaly, seizures, and developmental delay. Identifiers: Orphanet 1934, MedGen C3150667, MONDO:0013254, OMIM 613402.

Allele frequency attached by ClinVar (database versions not stated): 1000 Genomes Project 30x 0.00031; 1000 Genomes Project 0.00040; ESP Exome Variant Server 0.00100; TOPMed 0.00105; ExAC 0.00127; gnomAD exomes 0.00127; gnomAD 0.00128 and 0.00131.

Submissions (13):

CeGaT Center for Human Genetics Tuebingen
Classification: Likely benign. Last evaluated: 2026-08-01. Review status: criteria provided, single submitter. Criteria: CeGaT Center For Human Genetics Tuebingen Variant Classification Criteria Version 2. Collection method: clinical testing. Allele origin: germline. Affected: yes. Observed: 15 variant alleles.
Comment: PNKP: BP4, BP7

Labcorp Genetics (formerly Invitae), Labcorp
Classification: Likely benign for Developmental and epileptic encephalopathy, 12. Last evaluated: 2026-02-02. Review status: criteria provided, single submitter. Criteria: Invitae Variant Classification Sherloc (09022015). Collection method: clinical testing. Allele origin: germline.

Women's Health and Genetics/Laboratory Corporation of America, LabCorp
Classification: Benign. Last evaluated: 2025-01-13. Review status: criteria provided, single submitter. Criteria: LabCorp Variant Classification Summary - May 2015. Collection method: clinical testing. Allele origin: germline.

Blueprint Genetics
Classification: Likely benign. Last evaluated: 2024-11-22. Review status: criteria provided, single submitter. Criteria: ACMG Guidelines, 2015. Collection method: clinical testing. Allele origin: germline.

Mayo Clinic Laboratories, Mayo Clinic
Classification: Likely benign. Last evaluated: 2024-05-21. Review status: criteria provided, single submitter. Criteria: ACMG Guidelines, 2015. Collection method: clinical testing. Allele origin: germline. Observed: 7 variant alleles.
Comment: BS1, BP4, BP7

Illumina Laboratory Services, Illumina
Classification: Uncertain significance for Microcephaly, seizures, and developmental delay. Last evaluated: 2018-01-12. Review status: criteria provided, single submitter. Criteria: ICSL Variant Classification Criteria 13 December 2019. Collection method: clinical testing. Allele origin: germline.

Eurofins Ntd Llc (ga)
Classification: Likely benign. Last evaluated: 2017-05-24. Review status: criteria provided, single submitter. Criteria: EGL Classification Definitions 2015. Collection method: clinical testing. Allele origin: germline. Observed: 5 variant alleles, 5 heterozygotes.

Ambry Genetics
Classification: Likely benign for Inborn genetic diseases. Last evaluated: 2016-07-01. Review status: criteria provided, single submitter. Criteria: Ambry Variant Classification Scheme 2023. Collection method: clinical testing. Allele origin: germline.

Genetic Services Laboratory, University of Chicago
Classification: Likely benign. Last evaluated: 2014-02-27. Review status: criteria provided, single submitter. Criteria: ACMG Guidelines, 2007. Collection method: clinical testing. Allele origin: germline. Inheritance: Autosomal recessive inheritance.
Comment: Likely benign based on allele frequency in 1000 Genomes Project or ESP global frequency and its presence in a patient with a rare or unrelated disease phenotype. NOT Sanger confirmed

GeneDx
Classification: Benign. Last evaluated: 2013-06-10. Review status: criteria provided, single submitter. Criteria: GeneDx Variant Classification (06012015). Collection method: clinical testing. Allele origin: germline. Affected: yes.
Comment: This variant is considered likely benign or benign based on one or more of the following criteria: it is a conservative change, it occurs at a poorly conserved position in the protein, it is predicted to be benign by multiple in silico algorithms, and/or has population frequency not consistent with disease.

PreventionGenetics, part of Exact Sciences
Classification: Likely benign. Review status: criteria provided, single submitter. Criteria: ACMG Guidelines, 2015. Collection method: clinical testing. Allele origin: germline.

Clinical Genetics DNA and cytogenetics Diagnostics Lab, Erasmus MC, Erasmus Medical Center
Classification: Likely benign. Review status: no assertion criteria provided. Collection method: clinical testing. Allele origin: germline. Affected: yes. Study: VKGL Data-share Consensus. Not counted in ClinVar's aggregate classification.

Genome Diagnostics Laboratory, University Medical Center Utrecht
Classification: Likely benign. Review status: no assertion criteria provided. Collection method: clinical testing. Allele origin: germline. Affected: yes. Study: VKGL Data-share Consensus. Not counted in ClinVar's aggregate classification.